The following is an entry in ClinVar:

ClinVar aggregate classification (germline): Uncertain significance (1 of 4 stars; one submission).

gnomAD v4.1: 5 of 1,613,706 alleles (0.00031%); highest among the groups gnomAD compares: Non-Finnish European, 0.000085%; no homozygotes.

Submission:

Mayo Clinic Laboratories, Mayo Clinic
Classification: Uncertain significance. Last evaluated: 2024-08-19. Review status: criteria provided, single submitter. Criteria: ACMG Guidelines, 2015. Collection method: clinical testing. Allele origin: germline. Observed: 1 variant allele.
Comment: BP4, PM2

NM_025137.4(SPG11):c.3296T>C (p.Val1099Ala)

Gene: SPG11 (SPG11 vesicle trafficking associated, spatacsin; minus strand). Cytogenetic location: 15q21.1.
Variant type: single nucleotide variant.
Coding change: c.3296T>C on transcript NM_025137.4 (MANE Select); coding-DNA position 3296, T replaced by C.
Protein change: p.Val1099Ala; replaces valine 1099 with alanine.
Molecular consequence: missense variant.
Genome position (GRCh38, 1-based): chr15:44,608,601, A>G on the plus strand (T>C on the coding strand, the complement: SPG11 is on the minus strand). VCF-style: chr15-44608601-A-G. GRCh37 (hg19) VCF-style: chr15-44900799-A-G.
Other names: p.Val1099Ala; c.3296T>C, p.Val1099Ala (NM_001160227.2, NM_001411132.1); short protein forms V1099A.
Identifiers: ClinVar variation 3380278 (VCV003380278.1).